The following is an entry in ClinVar:

NM_000038.6(APC):c.4059_4071del (p.Phe1354fs)

Gene: APC (APC regulator of Wnt signaling pathway; plus strand). Cytogenetic location: 5q22.2.
Variant type: Deletion.
Coding change: c.4059_4071del on transcript NM_000038.6 (MANE Select); coding-DNA positions 4059 to 4071, 13 bases deleted (ATTTTCTTCAGGA).
Protein change: p.Phe1354fs; shifts the reading frame from phenylalanine 1354.
Molecular consequence: frameshift variant.
Genome position (GRCh38, 1-based): chr5:112,839,653-112,839,665, ATTTTCTTCAGGA deleted; deleting any 13 consecutive bases within chr5:112,839,651-112,839,665 gives the same sequence; the c. name uses the placement nearest the transcript's 3' end. VCF-style (leftmost placement, unchanged base first): chr5-112839650-TGAATTTTCTTCAG-T. GRCh37 (hg19) VCF-style: chr5-112175347-TGAATTTTCTTCAG-T.
Other names: c.4059_4071del, p.Phe1354fs (NM_001127510.3, NM_001354895.2); c.4005_4017del, p.Phe1336fs (NM_001127511.3); c.4113_4125del, p.Phe1372fs (NM_001354896.2); c.4089_4101del, p.Phe1364fs (NM_001354897.2); c.3984_3996del, p.Phe1329fs (NM_001354898.2); c.4113_4125delATTTTCTTCAGGA, p.Phe1372Argfs (NM_001407447.1, NM_001407448.1, NM_001407449.1); c.4059_4071delATTTTCTTCAGGA, p.Phe1354Argfs (NM_001407450.1); c.4038_4050delATTTTCTTCAGGA, p.Phe1347Argfs (NM_001407451.1); and 16 more; short protein forms F1253fs, F1329fs, F1364fs, F1194fs, F1228fs, F1326fs, F1354fs, F1372fs.
Identifiers: ClinVar variation 1737430 (VCV001737430.3), dbSNP rs2533545153, ClinGen allele CA2580072368.

ClinVar aggregate classification (germline): Pathogenic. Review status: criteria provided, multiple submitters, no conflicts (2 of 4 stars). 2 submissions from 2 submitters: Pathogenic (2). Last evaluated 2025-11-20.

Conditions:
Hereditary cancer-predisposing syndrome. Also called: Neoplastic Syndromes, Hereditary; Tumor predisposition; Hereditary Cancer Syndrome; Hereditary neoplastic syndrome. Identifiers: Orphanet 140162, MedGen C0027672, MeSH D009386, MONDO:0015356.
Familial adenomatous polyposis 1 (FAP1). Also called: FAMILIAL ADENOMATOUS POLYPOSIS 1, ATTENUATED; POLYPOSIS, ADENOMATOUS INTESTINAL. Identifiers: MedGen C2713442, MONDO:0021056, OMIM 175100. Disease mechanism: loss of function.

Submissions (2):

Myriad Genetics, Inc.
Classification: Pathogenic for Familial adenomatous polyposis 1. Last evaluated: 2025-11-20. Review status: criteria provided, single submitter. Criteria: Myriad Autosomal Dominant, Autosomal Recessive and X-Linked Classification Criteria (2023). Collection method: clinical testing. Allele origin: unknown.
Comment: This variant is considered pathogenic. This variant creates a frameshift predicted to result in premature protein truncation.

Ambry Genetics
Classification: Pathogenic for Hereditary cancer-predisposing syndrome. Last evaluated: 2022-01-11. Review status: criteria provided, single submitter. Criteria: Ambry Variant Classification Scheme 2023. Collection method: clinical testing. Allele origin: germline.
Comment: The c.4059_4071del13 pathogenic mutation, located in coding exon 15 of the APC gene, results from a deletion of 13 nucleotides at nucleotide positions 4059 to 4071, causing a translational frameshift with a predicted alternate stop codon (p.F1354Rfs*57). This alteration occurs at the 3' terminus of theAPC gene, is not expected to trigger nonsense-mediated mRNA decay, and impacts the last 1434 amino acids of the protein. However, premature stop codons are typically deleterious in nature and the impacted region is critical for protein function (Ambry internal data). This variant is considered to be rare based on population cohorts in the Genome Aggregation Database (gnomAD). Based on the supporting evidence, this alteration is interpreted as a disease-causing mutation.